The following is an entry in ClinVar:

ClinVar aggregate classification (germline): Uncertain significance (1 of 4 stars; one submission).

gnomAD v4.1: 36 of 1,601,882 alleles (0.0022%); highest among the groups gnomAD compares: Non-Finnish European, 0.0028%; no homozygotes.

Submission:

Labcorp Genetics (formerly Invitae), Labcorp
Classification: Uncertain significance. Last evaluated: 2025-08-07. Review status: criteria provided, single submitter. Criteria: Invitae Variant Classification Sherloc (09022015). Collection method: clinical testing. Allele origin: germline.
Comment: This sequence change replaces serine, which is neutral and polar, with arginine, which is basic and polar, at codon 11 of the DIABLO protein (p.Ser11Arg). This variant is present in population databases (no rsID available, gnomAD 0.002%). This variant has not been reported in the literature in individuals affected with DIABLO-related conditions. An algorithm developed to predict the effect of missense changes on protein structure and function (PolyPhen-2) suggests that this variant is likely to be tolerated. In summary, the available evidence is currently insufficient to determine the role of this variant in disease. Therefore, it has been classified as a Variant of Uncertain Significance.

NM_001371333.1(DIABLO):c.31A>C (p.Ser11Arg)

Genes: DIABLO (diablo IAP-binding mitochondrial protein; minus strand), LOC130009040 (ATAC-STARR-seq lymphoblastoid active region 7211; plus strand). Cytogenetic location: 12q24.31.
Variant type: single nucleotide variant.
Coding change: c.31A>C on transcript NM_001371333.1 (MANE Select); coding-DNA position 31, A replaced by C.
Protein change: p.Ser11Arg; replaces serine 11 with arginine.
Molecular consequence: missense variant. On other transcripts: 5 prime UTR variant (3).
Genome position (GRCh38, 1-based): chr12:122,225,984, T>G on the plus strand (A>C on the coding strand, the complement: DIABLO is on the minus strand). VCF-style: chr12-122225984-T-G. GRCh37 (hg19) VCF-style: chr12-122710531-T-G.
Other names: c.-100A>C (NM_001278302.1, NM_138930.3); c.-56A>C (NM_001278303.1); c.31A>C, p.Ser11Arg (NM_001278342.1, NM_019887.6); short protein forms S11R.
Identifiers: ClinVar variation 4749770 (VCV004749770.1).